The following is an entry in ClinVar:

ClinVar aggregate classification (germline): Pathogenic (1 of 4 stars; one submission).

Conditions:
Ellis-van Creveld syndrome (EVC). Also called: MESOECTODERMAL DYSPLASIA; Chondroectodermal dysplasia; EVC-Related Ellis-van Creveld Syndrome; EVC2-Related Ellis-van Creveld Syndrome. Identifiers: Orphanet 289, MedGen C0013903, MONDO:0009162, OMIM 225500.
Curry-Hall syndrome (WAD). Also called: WEYERS ACRODENTAL DYSOSTOSIS. Identifiers: Orphanet 952, MedGen C0457013, MONDO:0008673, OMIM 193530.

Submission:

Labcorp Genetics (formerly Invitae), Labcorp
Classification: Pathogenic for Curry-Hall syndrome; Ellis-van Creveld syndrome. Last evaluated: 2022-09-12. Review status: criteria provided, single submitter. Criteria: Invitae Variant Classification Sherloc (09022015). Collection method: clinical testing. Allele origin: unknown.
Comment: For these reasons, this variant has been classified as Pathogenic. This variant has not been reported in the literature in individuals affected with EVC-related conditions. This variant is a gross deletion of the genomic region encompassing exon(s) 1-5 of the EVC gene, which includes the initiator codon. This deletion extends beyond the assayed region for this gene and therefore may encompass additional genes. It is expected to result in an absent or disrupted protein product. Loss-of-function variants in EVC are known to be pathogenic (PMID: 23220543).

Literature cited by the submitters: PubMed 23220543.

NC_000004.11:g.(?_5710003)_(5735172_?)del

Genes: EVC (EvC ciliary complex subunit 1; plus strand), EVC2 (EvC ciliary complex subunit 2; minus strand). Cytogenetic location: 4p16.2.
Variant type: Deletion.
Identifiers: ClinVar variation 3246637 (VCV003246637.1).